The following is an entry in ClinVar:

ClinVar aggregate classification (germline): Uncertain significance (1 of 4 stars; one submission).

Submission:

Labcorp Genetics (formerly Invitae), Labcorp
Classification: Uncertain significance. Last evaluated: 2025-06-19. Review status: criteria provided, single submitter. Criteria: Invitae Variant Classification Sherloc (09022015). Collection method: clinical testing. Allele origin: germline.
Comment: This variant, c.43_57dup, results in the insertion of 5 amino acid(s) of the ITM2B protein (p.Ala15_Glu19dup), but otherwise preserves the integrity of the reading frame. This variant is present in population databases (no rsID available, gnomAD 0.02%). This variant has not been reported in the literature in individuals affected with ITM2B-related conditions. In summary, the available evidence is currently insufficient to determine the role of this variant in disease. Therefore, it has been classified as a Variant of Uncertain Significance.

NM_021999.5(ITM2B):c.43_57dup (p.Glu19_Pro20insAlaLysLysAspGlu)

Genes: ITM2B (integral membrane protein 2B; plus strand), LOC130009751 (ATAC-STARR-seq lymphoblastoid silent region 5331; plus strand). Cytogenetic location: 13q14.2.
Variant type: Duplication.
Coding change: c.43_57dup on transcript NM_021999.5 (MANE Select); coding-DNA positions 43 to 57, 15 bases duplicated (GCCAAGAAGGACGAG).
Protein change: p.Glu19_Pro20insAlaLysLysAspGlu.
Molecular consequence: inframe insertion.
Genome position (GRCh38, 1-based): chr13:48,233,403-48,233,417, GCCAAGAAGGACGAG duplicated; duplicating any 15 consecutive bases within chr13:48,233,400-48,233,417 gives the same sequence; the c. name uses the placement nearest the transcript's 3' end. VCF-style (leftmost placement, unchanged base first): chr13-48233399-G-GGAGGCCAAGAAGGAC. GRCh37 (hg19) VCF-style: chr13-48807535-G-GGAGGCCAAGAAGGAC.
Identifiers: ClinVar variation 4704724 (VCV004704724.1).
Genomic context (GRCh38, chr13:48,233,399, plus strand): 5'-CGAGGGCGCCCCAGGCCGCGCCATGGTGAAGGTGACGTTCAACTCCGCTCTGGCCCAGAA[G>GGAGGCCAAGAAGGAC]GAGGCCAAGAAGGACGAGCCCAAGAGCGGCGAGGAGGCGCTCATCATCCCCCCCGACGCC-3'